The following is an entry in ClinVar:

NC_000005.9:g.(?_74970260)_(74990676_?)dup

Gene: POC5 (POC5 centriolar protein; minus strand). Cytogenetic location: 5q13.3.
Variant type: Duplication.
Identifiers: ClinVar variation 3246465 (VCV003246465.1).

ClinVar aggregate classification (germline): Uncertain significance (1 of 4 stars; one submission).

Submission:

Labcorp Genetics (formerly Invitae), Labcorp
Classification: Uncertain significance. Last evaluated: 2023-05-19. Review status: criteria provided, single submitter. Criteria: Invitae Variant Classification Sherloc (09022015). Collection method: clinical testing. Allele origin: unknown.
Comment: In summary, the available evidence is currently insufficient to determine the role of this variant in disease. Therefore, it has been classified as a Variant of Uncertain Significance. This variant has not been reported in the literature in individuals affected with POC5-related conditions. This variant results in a copy number gain of the genomic region encompassing exon(s) 6-12 of the POC5 gene. This region includes the termination codon of the gene. This copy number gain extends beyond the assayed region for this gene and therefore may encompass additional genes. As the precise location of this event is unknown, it may be in tandem or it may be located elsewhere in the genome.